The following is an entry in ClinVar:

NM_004360.5(CDH1):c.2253C>G (p.Asn751Lys)

Gene: CDH1 (cadherin 1; plus strand). Cytogenetic location: 16q22.1.
Variant type: single nucleotide variant.
Coding change: c.2253C>G on transcript NM_004360.5 (MANE Select); coding-DNA position 2253, C replaced by G.
Protein change: p.Asn751Lys; replaces asparagine 751 with lysine.
Molecular consequence: missense variant.
Genome position (GRCh38, 1-based): chr16:68,828,262, C>G. VCF-style: chr16-68828262-C-G. GRCh37 (hg19) VCF-style: chr16-68862165-C-G.
Other names: c.2070C>G, p.Asn690Lys (NM_001317184.2); c.705C>G, p.Asn235Lys (NM_001317185.2); c.288C>G, p.Asn96Lys (NM_001317186.2); short protein forms N751K, N690K, N96K, N235K.
Identifiers: ClinVar variation 925394 (VCV000925394.15), dbSNP rs33964119, ClinGen allele CA283314856.

ClinVar aggregate classification (germline): Conflicting classifications of pathogenicity. Review status: criteria provided, conflicting classifications (1 of 4 stars). 3 submissions from 3 submitters: Uncertain significance (2); Likely benign (1). Last evaluated 2025-03-12.

Conditions:
Hereditary cancer-predisposing syndrome. Also called: Hereditary Cancer Syndrome; Hereditary neoplastic syndrome; Neoplastic Syndromes, Hereditary; Tumor predisposition. Identifiers: Orphanet 140162, MedGen C0027672, MeSH D009386, MONDO:0015356.
Hereditary diffuse gastric adenocarcinoma (HDGC). Also called: DIFFUSE GASTRIC AND LOBULAR BREAST CANCER SYNDROME. Identifiers: Orphanet 26106, MedGen C1708349, MONDO:0007648, OMIM 137215.

Submissions (3):

Ambry Genetics
Classification: Likely benign for Hereditary cancer-predisposing syndrome. Last evaluated: 2025-03-12. Review status: criteria provided, single submitter. Criteria: Ambry Variant Classification Scheme 2023. Collection method: clinical testing. Allele origin: germline.

Labcorp Genetics (formerly Invitae), Labcorp
Classification: Uncertain significance for Hereditary diffuse gastric adenocarcinoma. Last evaluated: 2024-04-23. Review status: criteria provided, single submitter. Criteria: Invitae Variant Classification Sherloc (09022015). Collection method: clinical testing. Allele origin: germline.
Comment: This sequence change replaces asparagine, which is neutral and polar, with lysine, which is basic and polar, at codon 751 of the CDH1 protein (p.Asn751Lys). This variant is not present in population databases (gnomAD no frequency). This variant has not been reported in the literature in individuals affected with CDH1-related conditions. ClinVar contains an entry for this variant (Variation ID: 925394). An algorithm developed to predict the effect of missense changes on protein structure and function (PolyPhen-2) suggests that this variant is likely to be disruptive. In summary, the available evidence is currently insufficient to determine the role of this variant in disease. Therefore, it has been classified as a Variant of Uncertain Significance.

Color Diagnostics, LLC DBA Color Health
Classification: Uncertain significance for Hereditary cancer-predisposing syndrome. Last evaluated: 2019-11-25. Review status: criteria provided, single submitter. Criteria: ACMG Guidelines, 2015. Collection method: clinical testing. Allele origin: germline.
Comment: This missense variant replaces asparagine with lysine at codon 751 of the CDH1 protein. Computational prediction suggests that this variant may not impact protein structure and function (internally defined REVEL score threshold <= 0.5, PMID: 27666373). Splice site prediction tools suggest that this variant may not impact RNA splicing. To our knowledge, functional studies have not been performed for this variant. This variant has not been reported in individuals affected with hereditary cancer in the literature. This variant has not been identified in the general population by the Genome Aggregation Database (gnomAD). The available evidence is insufficient to determine the role of this variant in disease conclusively. Therefore, this variant is classified as a Variant of Uncertain Significance.